The following is an entry in ClinVar:

ClinVar aggregate classification (germline): Conflicting classifications of pathogenicity. Review status: criteria provided, conflicting classifications (1 of 4 stars). 4 submissions from 4 submitters: Uncertain significance (1); Likely benign (2). 1 of the submissions does not count toward it. Last evaluated 2026-03-10.

Conditions:
Cardiovascular phenotype. Identifiers: MedGen CN230736.
Osteogenesis imperfecta type I (OI1). Also called: OI, TYPE I; OSTEOGENESIS IMPERFECTA TARDA; OSTEOGENESIS IMPERFECTA WITH BLUE SCLERAE; Osteogenesis imperfecta type 1; Lobstein's Disease; Lobstein disease. Identifiers: Orphanet 216796, Orphanet 666, MedGen C0023931, MONDO:0008146, OMIM 166200. Disease mechanism: loss of function.
COL1A1-related disorder. Also called: COL1A1- related disease; COL1A1-related condition.

Allele frequency attached by ClinVar (database versions not stated): TOPMed 0.00001; gnomAD 0.00004; gnomAD exomes 0.00005 and 0.00008; ExAC 0.00012.
gnomAD v4.1: 79 of 1,613,736 alleles (0.0049%); highest among the groups gnomAD compares: South Asian, 0.06%; 1 homozygote.

Submissions (4):

Ambry Genetics
Classification: Likely benign for Cardiovascular phenotype. Last evaluated: 2026-03-10. Review status: criteria provided, single submitter. Criteria: Ambry Variant Classification Scheme 2023. Collection method: clinical testing. Allele origin: germline.

GeneDx
Classification: Uncertain significance. Last evaluated: 2026-02-09. Review status: criteria provided, single submitter. Criteria: GeneDx Variant Classification Process June 2021. Collection method: clinical testing. Allele origin: germline.
Comment: In silico analysis suggests that this missense variant does not alter protein structure/function; Has not been previously published as pathogenic or benign to our knowledge; Occurs in the triple helical domain at the Y position in the canonical Gly-X-Y repeat; although this variant may have an effect on normal protein folding and function, missense substitution at the Y position is not a common mechanism of disease (HGMD)

Labcorp Genetics (formerly Invitae), Labcorp
Classification: Likely benign for Osteogenesis imperfecta type I. Last evaluated: 2025-05-24. Review status: criteria provided, single submitter. Criteria: Invitae Variant Classification Sherloc (09022015). Collection method: clinical testing. Allele origin: germline.

PreventionGenetics, part of Exact Sciences
Classification: Likely benign for COL1A1-related condition. Last evaluated: 2023-09-27. Review status: no assertion criteria provided. Collection method: clinical testing. Allele origin: germline. Not counted in ClinVar's aggregate classification.
Comment: This variant is classified as likely benign based on ACMG/AMP sequence variant interpretation guidelines (Richards et al. 2015 PMID: 25741868, with internal and published modifications).

NM_000088.4(COL1A1):c.3124G>A (p.Ala1042Thr)

Gene: COL1A1 (collagen type I alpha 1 chain; minus strand). Cytogenetic location: 17q21.33.
Variant type: single nucleotide variant.
Coding change: c.3124G>A on transcript NM_000088.4 (MANE Select); coding-DNA position 3124, G replaced by A.
Protein change: p.Ala1042Thr; replaces alanine 1042 with threonine.
Molecular consequence: missense variant.
Genome position (GRCh38, 1-based): chr17:50,188,613, C>T on the plus strand (G>A on the coding strand, the complement: COL1A1 is on the minus strand). VCF-style: chr17-50188613-C-T. GRCh37 (hg19) VCF-style: chr17-48265974-C-T.
Other names: c.3124G>A (NM_000088.3); short protein forms A1042T.
Identifiers: ClinVar variation 1650465 (VCV001650465.12), dbSNP rs746939680, ClinGen allele CA8644554.
Genomic context (GRCh38, chr17:50,188,613, plus strand): 5'-TGCCAGCAGGGCCAACGGGGCCAGGGGCACCAGGAGCACCAGGAGCACCAGGGGGTCCAG[C>T]GGGGCCGGTCTCACCACGGTCACCCTGGCGGGGAGAGCAGGGGAATATGGGTCAGCCCCG-3'
Protein context (NP_000079.2, residues 1032-1052): AKGDRGETGP[Ala1042Thr]GPPGAPGAPG